The following is an entry in ClinVar:

NM_006493.4(CLN5):c.-86C>T

Gene: CLN5 (CLN5 lysosomal BMP synthase; plus strand). Cytogenetic location: 13q22.3.
Variant type: single nucleotide variant.
Coding change: c.-86C>T on transcript NM_006493.4 (MANE Select); 86 bases upstream of the start codon, C replaced by T.
Genome position (GRCh38, 1-based): chr13:76,992,013, C>T. VCF-style: chr13-76992013-C-T. GRCh37 (hg19) VCF-style: chr13-77566148-C-T.
Identifiers: ClinVar variation 457965 (VCV000457965.10), dbSNP rs988786332, ClinGen allele CA252175584.

ClinVar aggregate classification (germline): Uncertain significance. Review status: criteria provided, single submitter (1 of 4 stars). 2 submissions from 2 submitters: Uncertain significance (1). 1 of the submissions does not count toward it. Last evaluated 2021-08-28.

Conditions:
Neuronal ceroid lipofuscinosis. Also called: Neuronal Ceroid Lipofuscinoses. Identifiers: Orphanet 216, Orphanet 79263, MedGen C0027877, MONDO:0016295. Disease mechanism: loss of function.

Allele frequency attached by ClinVar (database versions not stated): gnomAD 0.00001; gnomAD exomes 0.00001; TOPMed 0.00001.

Submissions (2):

Labcorp Genetics (formerly Invitae), Labcorp
Classification: Uncertain significance for Neuronal ceroid lipofuscinosis. Last evaluated: 2021-08-28. Review status: criteria provided, single submitter. Criteria: Invitae Variant Classification Sherloc (09022015). Collection method: clinical testing. Allele origin: germline.
Comment: This sequence change replaces proline with leucine at codon 21 of the CLN5 protein (p.Pro21Leu). The proline residue is weakly conserved and there is a moderate physicochemical difference between proline and leucine. This variant is not present in population databases (ExAC no frequency). This variant has not been reported in the literature in individuals affected with CLN5-related conditions. Algorithms developed to predict the effect of missense changes on protein structure and function output the following: SIFT: "Deleterious"; PolyPhen-2: "Benign"; Align-GVGD: "Class C0". The leucine amino acid residue is found in multiple mammalian species, which suggests that this missense change does not adversely affect protein function. In summary, the available evidence is currently insufficient to determine the role of this variant in disease. Therefore, it has been classified as a Variant of Uncertain Significance.

Natera, Inc.
Classification: Uncertain significance for Neuronal ceroid lipofuscinosis. Last evaluated: 2020-07-09. Review status: no assertion criteria provided. Collection method: clinical testing. Allele origin: germline. Not counted in ClinVar's aggregate classification.